The following is an entry in ClinVar:

NM_001393769.1(MED12L):c.2838G>A (p.Val946=)

Genes: MED12L (mediator complex subunit 12L; plus strand), P2RY12 (purinergic receptor P2Y12; minus strand). Cytogenetic location: 3q25.1.
Variant type: single nucleotide variant.
Coding change: c.2838G>A on transcript NM_001393769.1 (MANE Select); coding-DNA position 2838, G replaced by A.
Protein change: p.Val946=; no amino-acid change (valine 946 retained).
Molecular consequence: synonymous variant. On other transcripts: intron variant (1).
Genome position (GRCh38, 1-based): chr3:151,360,486, G>A. VCF-style: chr3-151360486-G-A. GRCh37 (hg19) VCF-style: chr3-151078274-G-A.
Other names: c.2733G>A, p.Val911= (NM_053002.6); c.-179-19726C>T (NM_022788.5).
Identifiers: ClinVar variation 3035521 (VCV003035521.2), dbSNP rs146070871, ClinGen allele CA2668111.

ClinVar aggregate classification (germline): Likely benign (0 of 4 stars; one submission).

Conditions:
MED12L-related disorder. Also called: MED12L-related condition.

Allele frequency attached by ClinVar (database versions not stated): gnomAD exomes 0.00008; ExAC 0.00045; gnomAD 0.00107; TOPMed 0.00121; ESP Exome Variant Server 0.00138; 1000 Genomes Project 0.00359; 1000 Genomes Project 30x 0.00359.
gnomAD v4.1: 294 of 1,612,360 alleles (0.018%); highest among the groups gnomAD compares: African/African-American, 0.34%; no homozygotes.

Submission:

PreventionGenetics, part of Exact Sciences
Classification: Likely benign for MED12L-related condition. Last evaluated: 2022-06-17. Review status: no assertion criteria provided. Collection method: clinical testing. Allele origin: germline.
Comment: This variant is classified as likely benign based on ACMG/AMP sequence variant interpretation guidelines (Richards et al. 2015 PMID: 25741868, with internal and published modifications).